The following is an entry in ClinVar:

NM_020822.3(KCNT1):c.30G>A (p.Pro10=)

Gene: KCNT1 (potassium sodium-activated channel subfamily T member 1; plus strand). Cytogenetic location: 9q34.3.
Variant type: single nucleotide variant.
Coding change: c.30G>A on transcript NM_020822.3 (MANE Select); coding-DNA position 30, G replaced by A.
Protein change: p.Pro10=; no amino-acid change (proline 10 retained).
Molecular consequence: synonymous variant.
Genome position (GRCh38, 1-based): chr9:135,702,288, G>A. VCF-style: chr9-135702288-G-A. GRCh37 (hg19) VCF-style: chr9-138594134-G-A.
Other names: p.Pro10=; c.30G>A, p.Pro10= (NM_001272003.2).
Identifiers: ClinVar variation 193440 (VCV000193440.45), dbSNP rs139034501, ClinGen allele CA200579.

ClinVar aggregate classification (germline): Benign. Review status: criteria provided, multiple submitters, no conflicts (2 of 4 stars). 13 submissions from 12 submitters: Benign (11). 2 of the submissions do not count toward it. Last evaluated 2026-03-01.

Conditions:
Inborn genetic diseases. Identifiers: MedGen C0950123, MeSH D030342.
Developmental and epileptic encephalopathy, 14 (DEE14). Also called: Early infantile epileptic encephalopathy 14. Identifiers: Orphanet 293181, MedGen C3554195, MONDO:0013989, OMIM 614959.
Autosomal dominant nocturnal frontal lobe epilepsy 5. Also called: CILIARY DYSKINESIA, PRIMARY, 28, WITHOUT SITUS INVERSUS; Epilepsy, nocturnal frontal lobe, 5; KCNT1-Related Epilepsy; CILIARY DYSKINESIA, PRIMARY, 28, WITH SITUS INVERSUS. Identifiers: Orphanet 98784, MedGen C3554306, MONDO:0014002, OMIM 615005.

Allele frequency attached by ClinVar (database versions not stated): gnomAD 0.00419; 1000 Genomes Project 0.00479; ESP Exome Variant Server 0.00479; TOPMed 0.00515; 1000 Genomes Project 30x 0.00547.
gnomAD v4.1: 12,641 of 1,608,588 alleles (0.79%); highest among the groups gnomAD compares: Middle Eastern, 3%; 87 homozygotes.

Submissions (13):

CeGaT Center for Human Genetics Tuebingen
Classification: Benign. Last evaluated: 2026-03-01. Review status: criteria provided, single submitter. Criteria: CeGaT Center For Human Genetics Tuebingen Variant Classification Criteria Version 2. Collection method: clinical testing. Allele origin: germline. Affected: yes. Observed: 19 variant alleles.
Comment: KCNT1: BP4, BP7, BS1, BS2

Labcorp Genetics (formerly Invitae), Labcorp
Classification: Benign for Autosomal dominant nocturnal frontal lobe epilepsy 5; Developmental and epileptic encephalopathy, 14. Last evaluated: 2026-02-03. Review status: criteria provided, single submitter. Criteria: Invitae Variant Classification Sherloc (09022015). Collection method: clinical testing. Allele origin: germline.

Athena Diagnostics
Classification: Benign. Last evaluated: 2024-04-22. Review status: criteria provided, single submitter. Criteria: Athena Diagnostics Criteria. Collection method: clinical testing. Allele origin: unknown.

Genome-Nilou Lab
Classification: Benign for Developmental and epileptic encephalopathy, 14. Last evaluated: 2022-03-15. Review status: criteria provided, single submitter. Criteria: ACMG Guidelines, 2015. Collection method: clinical testing. Allele origin: germline. Affected: no.

Genome-Nilou Lab
Classification: Benign for Autosomal dominant nocturnal frontal lobe epilepsy 5. Last evaluated: 2022-03-15. Review status: criteria provided, single submitter. Criteria: ACMG Guidelines, 2015. Collection method: clinical testing. Allele origin: germline. Affected: no.

Mayo Clinic Laboratories, Mayo Clinic
Classification: Benign. Last evaluated: 2019-05-30. Review status: criteria provided, single submitter. Criteria: ACMG Guidelines, 2015. Collection method: clinical testing. Allele origin: germline. Observed: 14 variant alleles.

Ambry Genetics
Classification: Benign for Inborn genetic diseases. Last evaluated: 2016-05-17. Review status: criteria provided, single submitter. Criteria: Ambry Variant Classification Scheme 2023. Collection method: clinical testing. Allele origin: germline.

GeneDx
Classification: Benign. Last evaluated: 2016-02-08. Review status: criteria provided, single submitter. Criteria: GeneDx Variant Classification (06012015). Collection method: clinical testing. Allele origin: germline. Affected: yes.
Comment: This variant is considered likely benign or benign based on one or more of the following criteria: it is a conservative change, it occurs at a poorly conserved position in the protein, it is predicted to be benign by multiple in silico algorithms, and/or has population frequency not consistent with disease.

Eurofins Ntd Llc (ga)
Classification: Benign. Last evaluated: 2014-10-02. Review status: criteria provided, single submitter. Criteria: EGL Classification Definitions 2015. Collection method: clinical testing. Allele origin: germline. Observed: 3 variant alleles, 3 heterozygotes.

Breakthrough Genomics
Classification: Benign. Review status: criteria provided, single submitter. Criteria: ACMG Guidelines, 2015. Collection method: not provided. Allele origin: germline. Inheritance: Autosomal dominant inheritance. Affected: yes.

PreventionGenetics, part of Exact Sciences
Classification: Benign. Review status: criteria provided, single submitter. Criteria: ACMG Guidelines, 2015. Collection method: clinical testing. Allele origin: germline.

Diagnostic Laboratory, Department of Genetics, University Medical Center Groningen
Classification: Benign. Review status: no assertion criteria provided. Collection method: clinical testing. Allele origin: germline. Affected: yes. Study: VKGL Data-share Consensus. Not counted in ClinVar's aggregate classification.

Genome Diagnostics Laboratory, University Medical Center Utrecht
Classification: Benign. Review status: no assertion criteria provided. Collection method: clinical testing. Allele origin: germline. Affected: yes. Study: VKGL Data-share Consensus. Not counted in ClinVar's aggregate classification.